The following is an entry in ClinVar:

NM_001378030.1(CCDC78):c.860G>C (p.Ser287Thr)

Gene: CCDC78 (coiled-coil domain containing 78; minus strand). Cytogenetic location: 16p13.3.
Variant type: single nucleotide variant.
Coding change: c.860G>C on transcript NM_001378030.1 (MANE Select); coding-DNA position 860, G replaced by C.
Protein change: p.Ser287Thr; replaces serine 287 with threonine.
Molecular consequence: missense variant. On other transcripts: non-coding transcript variant (5).
Genome position (GRCh38, 1-based): chr16:724,415, C>G on the plus strand (G>C on the coding strand, the complement: CCDC78 is on the minus strand). VCF-style: chr16-724415-C-G. GRCh37 (hg19) VCF-style: chr16-774415-C-G.
Other names: c.860G>C, p.Ser287Thr (NM_001031737.3, NM_001378031.1); c.293G>C, p.Ser98Thr (NM_001378033.1); short protein forms S98T, S287T.
Identifiers: ClinVar variation 1447214 (VCV001447214.8), dbSNP rs1688583528, ClinGen allele CA394100406.

ClinVar aggregate classification (germline): Uncertain significance (1 of 4 stars; one submission).

Conditions:
Congenital myopathy with internal nuclei and atypical cores. Also called: Myopathy, centronuclear, 4. Identifiers: Orphanet 319160, MedGen C4707232, MONDO:0013890, OMIM 614807.

Submission:

Labcorp Genetics (formerly Invitae), Labcorp
Classification: Uncertain significance for Congenital myopathy with internal nuclei and atypical cores. Last evaluated: 2022-11-08. Review status: criteria provided, single submitter. Criteria: Invitae Variant Classification Sherloc (09022015). Collection method: clinical testing. Allele origin: germline.
Comment: In summary, the available evidence is currently insufficient to determine the role of this variant in disease. Therefore, it has been classified as a Variant of Uncertain Significance. Advanced modeling of protein sequence and biophysical properties (such as structural, functional, and spatial information, amino acid conservation, physicochemical variation, residue mobility, and thermodynamic stability) performed at Invitae indicates that this missense variant is not expected to disrupt CCDC78 protein function. ClinVar contains an entry for this variant (Variation ID: 1447214). This variant has not been reported in the literature in individuals affected with CCDC78-related conditions. This variant is not present in population databases (gnomAD no frequency). This sequence change replaces serine, which is neutral and polar, with threonine, which is neutral and polar, at codon 287 of the CCDC78 protein (p.Ser287Thr).